The following is an entry in ClinVar:

NM_006623.4(PHGDH):c.357-3C>A

Gene: PHGDH (phosphoglycerate dehydrogenase; plus strand). Cytogenetic location: 1p12.
Variant type: single nucleotide variant.
Coding change: c.357-3C>A on transcript NM_006623.4 (MANE Select); 3 bases into the intron before coding-DNA position 357, C replaced by A.
Molecular consequence: intron variant.
Genome position (GRCh38, 1-based): chr1:119,726,848, C>A. VCF-style: chr1-119726848-C-A. GRCh37 (hg19) VCF-style: chr1-120269471-C-A.
Identifiers: ClinVar variation 2154261 (VCV002154261.2), dbSNP rs1332516300, ClinGen allele CA526249442.

ClinVar aggregate classification (germline): Uncertain significance (1 of 4 stars; one submission).

Conditions:
PHGDH deficiency. Identifiers: Orphanet 79351, MedGen C1866174, MONDO:0011152, OMIM 601815.

Allele frequency attached by ClinVar (database versions not stated): gnomAD 0.00001.

Submission:

Labcorp Genetics (formerly Invitae), Labcorp
Classification: Uncertain significance for PHGDH deficiency. Last evaluated: 2024-04-25. Review status: criteria provided, single submitter. Criteria: Invitae Variant Classification Sherloc (09022015). Collection method: clinical testing. Allele origin: germline.
Comment: This sequence change falls in intron 3 of the PHGDH gene. It does not directly change the encoded amino acid sequence of the PHGDH protein. It affects a nucleotide within the consensus splice site. This variant is present in population databases (no rsID available, gnomAD 0.1%). This variant has not been reported in the literature in individuals affected with PHGDH-related conditions. ClinVar contains an entry for this variant (Variation ID: 2154261). Variants that disrupt the consensus splice site are a relatively common cause of aberrant splicing (PMID: 17576681, 9536098). Algorithms developed to predict the effect of sequence changes on RNA splicing suggest that this variant may disrupt the consensus splice site. In summary, the available evidence is currently insufficient to determine the role of this variant in disease. Therefore, it has been classified as a Variant of Uncertain Significance.

Literature cited by the submitters: PubMed 17576681; PubMed 9536098.